The following is an entry in ClinVar:

ClinVar aggregate classification (germline): Conflicting classifications of pathogenicity. Review status: criteria provided, conflicting classifications (1 of 4 stars). 2 submissions from 2 submitters: Uncertain significance (1); Likely benign (1). Last evaluated 2025-12-09.

Conditions:
Inborn genetic diseases. Identifiers: MedGen C0950123, MeSH D030342.

Allele frequency attached by ClinVar (database versions not stated): gnomAD 0.00001; TOPMed 0.00002; ExAC 0.00014.
gnomAD v4.1: 8 of 1,393,622 alleles (0.00057%); highest among the groups gnomAD compares: Middle Eastern, 0.02%; no homozygotes.

Submissions (2):

Labcorp Genetics (formerly Invitae), Labcorp
Classification: Uncertain significance. Last evaluated: 2025-12-09. Review status: criteria provided, single submitter. Criteria: Invitae Variant Classification Sherloc (09022015). Collection method: clinical testing. Allele origin: germline.
Comment: This sequence change replaces glycine, which is neutral and non-polar, with alanine, which is neutral and non-polar, at codon 314 of the ARID1B protein (p.Gly314Ala). The frequency data for this variant in the population databases is considered unreliable, as metrics indicate poor data quality at this position in the gnomAD database. This variant has not been reported in the literature in individuals affected with ARID1B-related conditions. ClinVar contains an entry for this variant (Variation ID: 3129411). Invitae Evidence Modeling of protein sequence and biophysical properties (such as structural, functional, and spatial information, amino acid conservation, physicochemical variation, residue mobility, and thermodynamic stability) indicates that this missense variant is not expected to disrupt ARID1B protein function with a negative predictive value of 95%. In summary, the available evidence is currently insufficient to determine the role of this variant in disease. Therefore, it has been classified as a Variant of Uncertain Significance.

Ambry Genetics
Classification: Likely benign for Inborn genetic diseases. Last evaluated: 2024-01-08. Review status: criteria provided, single submitter. Criteria: Ambry Variant Classification Scheme 2023. Collection method: clinical testing. Allele origin: germline.

NM_001374828.1(ARID1B):c.1190G>C (p.Gly397Ala)

Gene: ARID1B (AT-rich interaction domain 1B; plus strand). Cytogenetic location: 6q25.3.
Variant type: single nucleotide variant.
Coding change: c.1190G>C on transcript NM_001374828.1 (MANE Select); coding-DNA position 1190, G replaced by C.
Protein change: p.Gly397Ala; replaces glycine 397 with alanine.
Molecular consequence: missense variant.
Genome position (GRCh38, 1-based): chr6:156,778,870, G>C. VCF-style: chr6-156778870-G-C. GRCh37 (hg19) VCF-style: chr6-157100004-G-C.
Other names: c.941G>C, p.Gly314Ala (NM_001346813.1, NM_020732.3); c.1190G>C, p.Gly397Ala (NM_001371656.1, NM_001374820.1, NM_017519.3); c.767G>C, p.Gly256Ala (NM_175863.2); short protein forms G314A, G256A, G397A.
Identifiers: ClinVar variation 3129411 (VCV003129411.2), dbSNP rs756982067, ClinGen allele CA4066712.